The following is an entry in ClinVar:

ClinVar aggregate classification (germline): Uncertain significance. Review status: criteria provided, multiple submitters, no conflicts (2 of 4 stars). 2 submissions from 2 submitters: Uncertain significance (2). Last evaluated 2025-03-15.

Conditions:
Hereditary cancer-predisposing syndrome. Also called: Neoplastic Syndromes, Hereditary; Tumor predisposition; Hereditary neoplastic syndrome; Hereditary Cancer Syndrome. Identifiers: Orphanet 140162, MedGen C0027672, MeSH D009386, MONDO:0015356.
Bloom syndrome (BLM). Also called: Bloom-Torre-Machacek syndrome. Identifiers: Orphanet 125, MedGen C0005859, MONDO:0008876, OMIM 210900.

Submissions (2):

Ambry Genetics
Classification: Uncertain significance for Hereditary cancer-predisposing syndrome. Last evaluated: 2025-03-15. Review status: criteria provided, single submitter. Criteria: Ambry Variant Classification Scheme 2023. Collection method: clinical testing. Allele origin: germline.
Comment: The p.L258M variant (also known as c.772C>A), located in coding exon 2 of the BLM gene, results from a C to A substitution at nucleotide position 772. The leucine at codon 258 is replaced by methionine, an amino acid with highly similar properties. This amino acid position is conserved. In addition, this alteration is predicted to be tolerated by in silico analysis. Since supporting evidence is limited at this time, the clinical significance of this alteration remains unclear.

Labcorp Genetics (formerly Invitae), Labcorp
Classification: Uncertain significance for Bloom syndrome. Last evaluated: 2021-08-27. Review status: criteria provided, single submitter. Criteria: Invitae Variant Classification Sherloc (09022015). Collection method: clinical testing. Allele origin: germline.
Comment: This sequence change replaces leucine with methionine at codon 258 of the BLM protein (p.Leu258Met). The leucine residue is weakly conserved and there is a small physicochemical difference between leucine and methionine. This variant is not present in population databases (ExAC no frequency). This variant has not been reported in the literature in individuals affected with BLM-related conditions. Algorithms developed to predict the effect of missense changes on protein structure and function are either unavailable or do not agree on the potential impact of this missense change (SIFT: "Tolerated"; PolyPhen-2: "Possibly Damaging"; Align-GVGD: "Class C0"). In summary, the available evidence is currently insufficient to determine the role of this variant in disease. Therefore, it has been classified as a Variant of Uncertain Significance.

NM_000057.4(BLM):c.772C>A (p.Leu258Met)

Gene: BLM (BLM RecQ like helicase; plus strand). Cytogenetic location: 15q26.1.
Variant type: single nucleotide variant.
Coding change: c.772C>A on transcript NM_000057.4 (MANE Select); coding-DNA position 772, C replaced by A.
Protein change: p.Leu258Met; replaces leucine 258 with methionine.
Molecular consequence: missense variant. On other transcripts: 5 prime UTR variant (1).
Genome position (GRCh38, 1-based): chr15:90,750,040, C>A. VCF-style: chr15-90750040-C-A. GRCh37 (hg19) VCF-style: chr15-91293270-C-A.
Other names: c.772C>A, p.Leu258Met (NM_001287246.2, NM_001287247.2); c.-520C>A (NM_001287248.2); short protein forms L258M.
Identifiers: ClinVar variation 837375 (VCV000837375.10), dbSNP rs1895639952, ClinGen allele CA393841528.